The following is an entry in ClinVar:

NM_001267550.2(TTN):c.68350G>T (p.Glu22784Ter)

Genes: TTN (titin; minus strand), TTN-AS1 (TTN antisense RNA 1; plus strand). Cytogenetic location: 2q31.2.
Variant type: single nucleotide variant.
Coding change: c.68350G>T on transcript NM_001267550.2 (MANE Select); coding-DNA position 68350, G replaced by T.
Protein change: p.Glu22784Ter; replaces glutamic acid 22784 with a stop codon.
Molecular consequence: nonsense.
Genome position (GRCh38, 1-based): chr2:178,578,165, C>A on the plus strand (G>T on the coding strand, the complement: TTN is on the minus strand). VCF-style: chr2-178578165-C-A. GRCh37 (hg19) VCF-style: chr2-179442892-C-A.
Other names: c.63427G>T, p.Glu21143Ter (NM_001256850.1); c.41155G>T, p.Glu13719Ter (NM_003319.4); c.60646G>T, p.Glu20216Ter (NM_133378.4); c.41530G>T, p.Glu13844Ter (NM_133432.3); c.41731G>T, p.Glu13911Ter (NM_133437.4); short protein forms E13844*, E21143*, E13911*, E13719*, E22784*, E20216*.
Identifiers: ClinVar variation 1737951 (VCV001737951.2), dbSNP rs1423648586, ClinGen allele CA349672935.

ClinVar aggregate classification (germline): Likely pathogenic (1 of 4 stars; one submission).

Conditions:
Cardiovascular phenotype. Identifiers: MedGen CN230736.

Submission:

Ambry Genetics
Classification: Likely pathogenic for Cardiovascular phenotype. Last evaluated: 2021-07-22. Review status: criteria provided, single submitter. Criteria: Ambry Variant Classification Scheme 2023. Collection method: clinical testing. Allele origin: germline.
Comment: The p.E13719* variant (also known as c.41155G>T), located in coding exon 149 of the TTN gene, results from a G to T substitution at nucleotide position 41155. This changes the amino acid from a glutamic acid to a stop codon within coding exon 149. This exon is located in the A-band region of the N2-B isoform of the titin protein and is constitutively expressed in TTN transcripts (percent spliced in or PSI 100%). This alteration is expected to result in loss of function by premature protein truncation or nonsense-mediated mRNA decay. While truncating variants in TTN are present in 1-3% of the general population, truncating variants in the A-band are the most common cause of dilated cardiomyopathy (DCM) (Herman DS et al. N. Engl. J. Med., 2012 Feb;366:619-28; Roberts AM et al. Sci Transl Med, 2015 Jan;7:270ra6). TTN truncating variants encoded in constitutive exons (PSI >90%) have been found to be significantly associated with DCM regardless of their position in titin (Schafer S et al. Nat. Genet., 2017 01;49:46-53). As such, this alteration is classified as likely pathogenic.